The following is an entry in ClinVar:

ClinVar aggregate classification (germline): Conflicting classifications of pathogenicity. Review status: criteria provided, conflicting classifications (1 of 4 stars). 3 submissions from 3 submitters: Uncertain significance (2); Likely benign (1). Last evaluated 2024-09-20.

Conditions:
Mitochondrial complex I deficiency, nuclear type 21. Also called: Mitochondrial complex 1 deficiency, nuclear type 21. Identifiers: MedGen C4748792, MONDO:0032625, OMIM 618242.
Mitochondrial complex I deficiency, nuclear type 1. Also called: NADH-COENZYME Q REDUCTASE DEFICIENCY; MITOCHONDRIAL NADH DEHYDROGENASE COMPONENT OF COMPLEX I, DEFICIENCY OF. Identifiers: MedGen C6022305, MONDO:0100224, OMIM 252010.

Allele frequency attached by ClinVar (database versions not stated): gnomAD 0.00001 and 0.00003; TOPMed 0.00002; gnomAD exomes 0.00004 and 0.00007; ExAC 0.00012.
gnomAD v4.1: 84 of 1,407,554 alleles (0.006%); highest among the groups gnomAD compares: East Asian, 0.23%; no homozygotes.

Submissions (3):

3billion
Classification: Likely benign for Mitochondrial complex I deficiency, nuclear type 21. Last evaluated: 2024-09-20. Review status: criteria provided, single submitter. Criteria: ACMG Guidelines, 2015. Collection method: clinical testing. Allele origin: germline. Affected: no.
Comment: The homozygous variant was found in patients diagnosed with another variant in a different gene, with no symptoms related to the gene containing the homozygous variant.

Labcorp Genetics (formerly Invitae), Labcorp
Classification: Uncertain significance. Last evaluated: 2023-12-18. Review status: criteria provided, single submitter. Criteria: Invitae Variant Classification Sherloc (09022015). Collection method: clinical testing. Allele origin: germline.
Comment: This sequence change replaces glycine, which is neutral and non-polar, with arginine, which is basic and polar, at codon 2 of the NUBPL protein (p.Gly2Arg). This variant is present in population databases (rs765747555, gnomAD 0.07%). This variant has not been reported in the literature in individuals affected with NUBPL-related conditions. ClinVar contains an entry for this variant (Variation ID: 881212). An algorithm developed to predict the effect of missense changes on protein structure and function (PolyPhen-2) suggests that this variant is likely to be disruptive. In summary, the available evidence is currently insufficient to determine the role of this variant in disease. Therefore, it has been classified as a Variant of Uncertain Significance.

Illumina Laboratory Services, Illumina
Classification: Uncertain significance for Mitochondrial complex I deficiency, nuclear type 1. Last evaluated: 2018-01-12. Review status: criteria provided, single submitter. Criteria: ICSL Variant Classification Criteria 13 December 2019. Collection method: clinical testing. Allele origin: germline.

NM_025152.3(NUBPL):c.4G>C (p.Gly2Arg)

Gene: NUBPL (NUBP iron-sulfur cluster assembly factor, mitochondrial; plus strand). Cytogenetic location: 14q12.
Variant type: single nucleotide variant.
Coding change: c.4G>C on transcript NM_025152.3 (MANE Select); coding-DNA position 4, G replaced by C.
Protein change: p.Gly2Arg; replaces glycine 2 with arginine.
Molecular consequence: missense variant. On other transcripts: non-coding transcript variant (1).
Genome position (GRCh38, 1-based): chr14:31,561,443, G>C. VCF-style: chr14-31561443-G-C. GRCh37 (hg19) VCF-style: chr14-32030649-G-C.
Other names: short protein forms G2R.
Identifiers: ClinVar variation 881212 (VCV000881212.8), dbSNP rs765747555, ClinGen allele CA7147690.